The following is an entry in ClinVar:

ClinVar aggregate classification (germline): Uncertain significance (1 of 4 stars; one submission).

Submission:

Labcorp Genetics (formerly Invitae), Labcorp
Classification: Uncertain significance. Last evaluated: 2024-10-17. Review status: criteria provided, single submitter. Criteria: Invitae Variant Classification Sherloc (09022015). Collection method: clinical testing. Allele origin: germline.
Comment: This sequence change replaces glutamine, which is neutral and polar, with histidine, which is basic and polar, at codon 393 of the SLC4A4 protein (p.Gln393His). This variant is not present in population databases (gnomAD no frequency). This variant has not been reported in the literature in individuals affected with SLC4A4-related conditions. An algorithm developed to predict the effect of missense changes on protein structure and function (PolyPhen-2) suggests that this variant is likely to be disruptive. In summary, the available evidence is currently insufficient to determine the role of this variant in disease. Therefore, it has been classified as a Variant of Uncertain Significance.

NM_001098484.3(SLC4A4):c.1311G>T (p.Gln437His)

Gene: SLC4A4 (solute carrier family 4 member 4; plus strand). Cytogenetic location: 4q13.3.
Variant type: single nucleotide variant.
Coding change: c.1311G>T on transcript NM_001098484.3 (MANE Select); coding-DNA position 1311, G replaced by T.
Protein change: p.Gln437His; replaces glutamine 437 with histidine.
Molecular consequence: missense variant.
Genome position (GRCh38, 1-based): chr4:71,451,290, G>T. VCF-style: chr4-71451290-G-T. GRCh37 (hg19) VCF-style: chr4-72317007-G-T.
Other names: c.1311G>T, p.Gln437His (NM_001134742.2); c.1179G>T, p.Gln393His (NM_003759.4); short protein forms Q393H, Q437H.
Identifiers: ClinVar variation 2978437 (VCV002978437.3), dbSNP rs2477488415, ClinGen allele CA357418464.